The following is an entry in ClinVar:

ClinVar aggregate classification (germline): Pathogenic. Review status: criteria provided, multiple submitters, no conflicts (2 of 4 stars). 5 submissions from 5 submitters: Pathogenic (4). 1 of the submissions does not count toward it. Last evaluated 2025-11-24.

Conditions:
ITPA-related disorder. Also called: ITPA-related condition.
Developmental and epileptic encephalopathy, 35 (DEE35). Also called: Epileptic encephalopathy, early infantile, 35. Identifiers: Orphanet 457375, MedGen C4225256, MONDO:0014719, OMIM 616647.
Inosine triphosphatase deficiency. Also called: INOSINE TRIPHOSPHATE PYROPHOSPHOHYDROLASE DEFICIENCY. Identifiers: MedGen C0342800, MONDO:0013461, OMIM 613850.

Allele frequency attached by ClinVar (database versions not stated): TOPMed below 0.00001; gnomAD 0.00001; ExAC 0.00004; gnomAD exomes 0.00004 and 0.00006; ESP Exome Variant Server 0.00008.
gnomAD v4.1: 52 of 1,613,968 alleles (0.0032%); highest among the groups gnomAD compares: South Asian, 0.0099%; no homozygotes.

Submissions (5):

Labcorp Genetics (formerly Invitae), Labcorp
Classification: Pathogenic for Inosine triphosphatase deficiency. Last evaluated: 2025-11-24. Review status: criteria provided, single submitter. Criteria: Invitae Variant Classification Sherloc (09022015). Collection method: clinical testing. Allele origin: germline.
Comment: This sequence change creates a premature translational stop signal (p.Trp151*) in the ITPA gene. While this is not anticipated to result in nonsense mediated decay, it is expected to disrupt the last 44 amino acid(s) of the ITPA protein. This variant is present in population databases (rs200086262, gnomAD 0.04%). This premature translational stop signal has been observed in individuals with ITPA-related conditions (PMID: 26224535, 30856165). It has also been observed to segregate with disease in related individuals. ClinVar contains an entry for this variant (Variation ID: 218089). Algorithms developed to predict the effect of sequence changes on RNA splicing suggest that this variant may disrupt the consensus splice site. This variant disrupts a region of the ITPA protein in which other variant(s) (p.Arg178Cys) have been observed in individuals with ITPA-related conditions (PMID: 26224535). This suggests that this is a clinically significant region of the protein, and that variants that disrupt it are likely to be disease-causing. For these reasons, this variant has been classified as Pathogenic.

Laboratory of Genetics, Children's Clinical University Hospital Latvia
Classification: Pathogenic. Last evaluated: 2025-02-16. Review status: criteria provided, single submitter. Criteria: ACMG Guidelines, 2015. Collection method: clinical testing. Allele origin: germline. Affected: yes.

Blueprint Genetics
Classification: Pathogenic for ITPA-related disorders. Last evaluated: 2024-11-14. Review status: criteria provided, single submitter. Criteria: ACMG Guidelines, 2015. Collection method: clinical testing. Allele origin: germline. Affected: yes. Observed: 5 variant alleles.

GeneDx
Classification: Pathogenic. Last evaluated: 2017-11-10. Review status: criteria provided, single submitter. Criteria: GeneDx Variant Classification (06012015). Collection method: clinical testing. Allele origin: germline. Affected: yes.
Comment: The W151X variant has been previously reported in the homozygous state in two siblings with progressive microcephaly, seizures, and developmental delay; ITPase activity in erythrocytes of one of the siblings was found to be severely reduced (Kevelam et. al., 2015). The W151X variant is observed in 11/25636 (0.04%) alleles from individuals of Finnish background, in large population cohorts (Lek et al., 2016). This nonsense variant is predicted to cause loss of normal protein function through protein truncation as the last 44 amino acids are lost. Therefore, we interpret W151X as a pathogenic variant.

OMIM
Classification: Pathogenic for DEVELOPMENTAL AND EPILEPTIC ENCEPHALOPATHY 35. Last evaluated: 2015-10-01. Review status: no assertion criteria provided. Collection method: literature only. Allele origin: germline. Not counted in ClinVar's aggregate classification.

Literature cited by the submitters: PubMed 26224535 (cited by Labcorp Genetics (formerly Invitae), Labcorp and OMIM); PubMed 30856165 (cited by Labcorp Genetics (formerly Invitae), Labcorp).

NM_033453.4(ITPA):c.452G>A (p.Trp151Ter)

Gene: ITPA (inosine triphosphatase; plus strand). Cytogenetic location: 20p13.
Variant type: single nucleotide variant.
Coding change: c.452G>A on transcript NM_033453.4 (MANE Select); coding-DNA position 452, G replaced by A.
Protein change: p.Trp151Ter; replaces tryptophan 151 with a stop codon.
Molecular consequence: nonsense. On other transcripts: missense variant (4), non-coding transcript variant (2), intron variant (1).
Genome position (GRCh38, 1-based): chr20:3,221,881, G>A. VCF-style: chr20-3221881-G-A. GRCh37 (hg19) VCF-style: chr20-3202527-G-A.
Other names: c.329G>A, p.Trp110Ter (NM_001267623.2); c.115G>A, p.Gly39Arg (NM_001324236.2, NM_001324237.2, NM_001324238.2 and 1 more transcripts); c.401G>A, p.Trp134Ter (NM_181493.4); c.411+3249G>A (NM_001324240.2); short protein forms W151*, G39R, W110*, W134*.
Identifiers: ClinVar variation 218089 (VCV000218089.12), dbSNP rs200086262, ClinGen allele CA210445.
Genomic context (GRCh38, chr20:3,221,881, plus strand): 5'-TCCCCCCTTTCCTGTGGCAGGGCCGGATCGTGGCACCCAGAGGCTGCCAGGACTTTGGCT[G>A]GGACCCCTGCTTTCAGCCTGATGGATATGAGCAGACGTAAGGAGCCCTGCTTTTCTTCCC-3'